The following is an entry in ClinVar:

NM_001042492.3(NF1):c.7201C>A (p.Pro2401Thr)

Gene: NF1 (neurofibromin 1; plus strand). Cytogenetic location: 17q11.2.
Variant type: single nucleotide variant.
Coding change: c.7201C>A on transcript NM_001042492.3 (MANE Select); coding-DNA position 7201, C replaced by A.
Protein change: p.Pro2401Thr; replaces proline 2401 with threonine.
Molecular consequence: missense variant.
Genome position (GRCh38, 1-based): chr17:31,349,131, C>A. VCF-style: chr17-31349131-C-A. GRCh37 (hg19) VCF-style: chr17-29676149-C-A.
Other names: c.7138C>A, p.Pro2380Thr (NM_000267.4); short protein forms P2401T, P2380T.
Identifiers: ClinVar variation 4119152 (VCV004119152.1).
Genomic context (GRCh38, chr17:31,349,131, plus strand): 5'-AAAAATTAATTCTTACTTGTTTGTTTGTTTGTTTGTTTGTTTTTTGTAGGGTACAGGCAT[C>A]CTTCACCTGCTATTGTTGCAAGAACAGTCAGAATTTTACATACACTACTAACTCTGGTTA-3'
Protein context (NP_001035957.1, residues 2391-2411): VGHLLKGYRH[Pro2401Thr]SPAIVARTVR

ClinVar aggregate classification (germline): Uncertain significance (1 of 4 stars; one submission).

Conditions:
Cardiovascular phenotype. Identifiers: MedGen CN230736.
Hereditary cancer-predisposing syndrome. Also called: Hereditary neoplastic syndrome; Neoplastic Syndromes, Hereditary; Tumor predisposition; Hereditary Cancer Syndrome. Identifiers: Orphanet 140162, MedGen C0027672, MeSH D009386, MONDO:0015356.

Submission:

Ambry Genetics
Classification: Uncertain significance for Cardiovascular phenotype; Hereditary cancer-predisposing syndrome. Last evaluated: 2025-08-20. Review status: criteria provided, single submitter. Criteria: Ambry Variant Classification Scheme 2023. Collection method: clinical testing. Allele origin: germline.
Comment: The p.P2380T variant (also known as c.7138C>A), located in coding exon 48 of the NF1 gene, results from a C to A substitution at nucleotide position 7138. The proline at codon 2380 is replaced by threonine, an amino acid with highly similar properties. This amino acid position is conserved. In addition, the in silico prediction for this alteration is inconclusive. Based on the available evidence, the clinical significance of this variant remains unclear.